The following is an entry in ClinVar:

ClinVar aggregate classification (germline): Uncertain significance. Review status: criteria provided, multiple submitters, no conflicts (2 of 4 stars). 2 submissions from 2 submitters: Uncertain significance (2). Last evaluated 2026-01-20.

Conditions:
Adams-Oliver syndrome 5 (AOS5). Identifiers: Orphanet 974, MedGen C4014970, MONDO:0014459, OMIM 616028.

Allele frequency attached by ClinVar (database versions not stated): gnomAD exomes 0.00001.
gnomAD v4.1: 8 of 1,603,900 alleles (0.0005%); highest among the groups gnomAD compares: Non-Finnish European, 0.00051%; no homozygotes.

Submissions (2):

Labcorp Genetics (formerly Invitae), Labcorp
Classification: Uncertain significance for Adams-Oliver syndrome 5. Last evaluated: 2026-01-20. Review status: criteria provided, single submitter. Criteria: Invitae Variant Classification Sherloc (09022015). Collection method: clinical testing. Allele origin: germline.
Comment: This sequence change replaces threonine, which is neutral and polar, with isoleucine, which is neutral and non-polar, at codon 586 of the NOTCH1 protein (p.Thr586Ile). This variant is not present in population databases (gnomAD no frequency). This missense change has been observed in individual(s) with thoracic aortic aneurysm and/or dissection (PMID: 32748548). ClinVar contains an entry for this variant (Variation ID: 1180196). Invitae Evidence Modeling of protein sequence and biophysical properties (such as structural, functional, and spatial information, amino acid conservation, physicochemical variation, residue mobility, and thermodynamic stability) indicates that this missense variant is not expected to disrupt NOTCH1 protein function with a negative predictive value of 95%. In summary, the available evidence is currently insufficient to determine the role of this variant in disease. Therefore, it has been classified as a Variant of Uncertain Significance.

GeneDx
Classification: Uncertain significance. Last evaluated: 2020-06-09. Review status: criteria provided, single submitter. Criteria: GeneDx Variant Classification Process June 2021. Collection method: clinical testing. Allele origin: germline. Affected: yes.
Comment: Has not been previously published as pathogenic or benign to our knowledge; Not observed in large population cohorts (Lek et al., 2016); In silico analysis, which includes protein predictors and evolutionary conservation, supports a deleterious effect

Literature cited by the submitters: PubMed 32748548 (cited by Labcorp Genetics (formerly Invitae), Labcorp).

NM_017617.5(NOTCH1):c.1757C>T (p.Thr586Ile)

Gene: NOTCH1 (notch receptor 1; minus strand). Cytogenetic location: 9q34.3.
Variant type: single nucleotide variant.
Coding change: c.1757C>T on transcript NM_017617.5 (MANE Select); coding-DNA position 1757, C replaced by T.
Protein change: p.Thr586Ile; replaces threonine 586 with isoleucine.
Molecular consequence: missense variant.
Genome position (GRCh38, 1-based): chr9:136,515,629, G>A on the plus strand (C>T on the coding strand, the complement: NOTCH1 is on the minus strand). VCF-style: chr9-136515629-G-A. GRCh37 (hg19) VCF-style: chr9-139410081-G-A.
Other names: short protein forms T586I.
Identifiers: ClinVar variation 1180196 (VCV001180196.5), dbSNP rs1843254040, ClinGen allele CA375560081.